The following is an entry in ClinVar:

NM_001042681.2(RERE):c.1104+1G>C

Gene: RERE (arginine-glutamic acid dipeptide repeats; minus strand). Cytogenetic location: 1p36.23.
Variant type: single nucleotide variant.
Coding change: c.1104+1G>C on transcript NM_001042681.2 (MANE Select); the canonical splice donor site of the intron after coding-DNA position 1104, G replaced by C.
Molecular consequence: splice donor variant.
Genome position (GRCh38, 1-based): chr1:8,495,062, C>G on the plus strand (G>C on the coding strand, the complement: RERE is on the minus strand). VCF-style: chr1-8495062-C-G. GRCh37 (hg19) VCF-style: chr1-8555122-C-G.
Other names: c.1104+1G>C (NM_012102.4).
Identifiers: ClinVar variation 3236006 (VCV003236006.1), dbSNP rs2521782674, ClinGen allele CA338223378.

ClinVar aggregate classification (germline): Uncertain significance (1 of 4 stars; one submission).

Conditions:
Neurodevelopmental disorder with or without anomalies of the brain, eye, or heart (NEDBEH). Identifiers: Orphanet 494344, MedGen C5567477, MONDO:0014857, OMIM 616975.

Submission:

MVZ Medizinische Genetik Mainz
Classification: Uncertain significance for Neurodevelopmental disorder with or without anomalies of the brain, eye, or heart. Last evaluated: 2022-11-17. Review status: criteria provided, single submitter. Criteria: UK Practice Guidelines For Variant Classification V4 01 2020. Collection method: clinical testing. Allele origin: germline. Inheritance: Autosomal dominant inheritance. Affected: yes. Observed: 1 variant allele.
Comment: ACMG Criteria: PVS1_STR, PM2_SUP (ACMG Version 4) ; BS2